The following is an entry in ClinVar:

NM_001077350.3(NPRL3):c.924+1G>T

Genes: HBA-LCR (alpha-globin locus control region; plus strand), NPRL3 (NPR3 like, GATOR1 complex subunit; minus strand). Cytogenetic location: 16p13.3.
Variant type: single nucleotide variant.
Coding change: c.924+1G>T on transcript NM_001077350.3 (MANE Select); the canonical splice donor site of the intron after coding-DNA position 924, G replaced by T.
Molecular consequence: splice donor variant.
Genome position (GRCh38, 1-based): chr16:98,144, C>A on the plus strand (G>T on the coding strand, the complement: NPRL3 is on the minus strand). VCF-style: chr16-98144-C-A. GRCh37 (hg19) VCF-style: chr16-148142-C-A.
Other names: c.690+1G>T (NM_001243247.2); c.849+1G>T (NM_001243248.2, NM_001243249.2); c.387+1G>T (NM_001039476.3).
Identifiers: ClinVar variation 4719128 (VCV004719128.1).

ClinVar aggregate classification (germline): Pathogenic (1 of 4 stars; one submission).

Conditions:
Epilepsy, familial focal, with variable foci 3 (FFEVF3). Identifiers: MedGen C4310708, MONDO:0014925, OMIM 617118.

Submission:

Labcorp Genetics (formerly Invitae), Labcorp
Classification: Pathogenic for Epilepsy, familial focal, with variable foci 3. Last evaluated: 2025-05-07. Review status: criteria provided, single submitter. Criteria: Invitae Variant Classification Sherloc (09022015). Collection method: clinical testing. Allele origin: germline.
Comment: This sequence change affects a donor splice site in intron 9 of the NPRL3 gene. It is expected to disrupt RNA splicing. Variants that disrupt the donor or acceptor splice site typically lead to a loss of protein function (PMID: 16199547), and loss-of-function variants in NPRL3 are known to be pathogenic (PMID: 26285051, 26505888). This variant is not present in population databases (gnomAD no frequency). Disruption of this splice site has been observed in individuals with focal cortical dysplasia type II and/or NPRL3-related conditions (PMID: 37812946; internal data). Algorithms developed to predict the effect of sequence changes on RNA splicing suggest that this variant may disrupt the consensus splice site. For these reasons, this variant has been classified as Pathogenic.

Literature cited by the submitters: PubMed 16199547; PubMed 26285051; PubMed 26505888; PubMed 37812946.